The following is an entry in ClinVar:

ClinVar aggregate classification (germline): Pathogenic (1 of 4 stars; one submission).

gnomAD v4.1: 2 of 1,614,048 alleles (0.00012%); highest among the groups gnomAD compares: Non-Finnish European, 0.00017%; no homozygotes.

Submission:

GeneDx
Classification: Pathogenic. Last evaluated: 2018-11-01. Review status: criteria provided, single submitter. Criteria: GeneDx Variant Classification (06012015). Collection method: clinical testing. Allele origin: germline. Affected: yes.
Comment: The G759X pathogenic variant in the LAMB3 gene has not been reported previously as a pathogenic variant, nor as a benign variant, to our knowledge. This variant is predicted to cause loss of normal protein function either through protein truncation or nonsense-mediated mRNA decay. The G759X variant is not observed at a significant frequency in large population cohorts (Lek et al., 2016). We interpret G759X as a pathogenic variant.

NM_000228.3(LAMB3):c.2275G>T (p.Gly759Ter)

Gene: LAMB3 (laminin subunit beta 3; minus strand). Cytogenetic location: 1q32.2.
Variant type: single nucleotide variant.
Coding change: c.2275G>T on transcript NM_000228.3 (MANE Select); coding-DNA position 2275, G replaced by T.
Protein change: p.Gly759Ter; replaces glycine 759 with a stop codon.
Molecular consequence: nonsense.
Genome position (GRCh38, 1-based): chr1:209,623,588, C>A on the plus strand (G>T on the coding strand, the complement: LAMB3 is on the minus strand). VCF-style: chr1-209623588-C-A. GRCh37 (hg19) VCF-style: chr1-209796933-C-A.
Other names: c.2275G>T, p.Gly759Ter (NM_001017402.2, NM_001127641.1); short protein forms G759*.
Identifiers: ClinVar variation 620454 (VCV000620454.1), dbSNP rs780424034, ClinGen allele CA344588366.